The following is an entry in ClinVar:

NM_000548.5(TSC2):c.310C>T (p.Leu104=)

Gene: TSC2 (TSC complex subunit 2; plus strand). Cytogenetic location: 16p13.3.
Variant type: single nucleotide variant.
Coding change: c.310C>T on transcript NM_000548.5 (MANE Select); coding-DNA position 310, C replaced by T.
Protein change: p.Leu104=; no amino-acid change (leucine 104 retained).
Molecular consequence: synonymous variant. On other transcripts: intron variant (2).
Genome position (GRCh38, 1-based): chr16:2,053,426, C>T. VCF-style: chr16-2053426-C-T. GRCh37 (hg19) VCF-style: chr16-2103427-C-T.
Other names: c.310C>T, p.Leu104= (NM_001077183.3, NM_001114382.3, NM_001363528.2 and 3 more transcripts); c.163C>T, p.Leu55= (NM_001318829.2); c.343C>T, p.Leu115= (NM_001318832.2); c.226-870C>T (NM_001318827.2); c.-1-2770C>T (NM_001318831.2).
Identifiers: ClinVar variation 1111849 (VCV001111849.10), dbSNP rs1596259554, ClinGen allele CA492955256.
Genomic context (GRCh38, chr16:2,053,426, plus strand): 5'-GCGGTCGCGGATCTGTTGCAGCCGGAGCGGCCGCTGGAGGCCCGGCACGCGGTGCTGGCT[C>T]TGCTGAAGGCCATCGTGCAGGGGCAGGTAAGGCCCAGGGCGACGCTGGGATGGGTGACGT-3'
Protein context (NP_000539.2, residues 94-114): PLEARHAVLA[Leu104=]LKAIVQGQGE

ClinVar aggregate classification (germline): Benign/Likely benign. Review status: criteria provided, multiple submitters, no conflicts (2 of 4 stars). 2 submissions from 2 submitters: Benign (1); Likely benign (1). Last evaluated 2025-07-16.

Conditions:
Tuberous sclerosis 2 (TSC2). Identifiers: Orphanet 805, MedGen C1860707, MONDO:0013199, OMIM 613254.

gnomAD v4.1: 3 of 1,582,188 alleles (0.00019%); highest among the groups gnomAD compares: Non-Finnish European, 0.00026%; no homozygotes.

Submissions (2):

Labcorp Genetics (formerly Invitae), Labcorp
Classification: Likely benign for Tuberous sclerosis 2. Last evaluated: 2025-07-16. Review status: criteria provided, single submitter. Criteria: Invitae Variant Classification Sherloc (09022015). Collection method: clinical testing. Allele origin: germline.

Myriad Genetics, Inc.
Classification: Benign for Tuberous sclerosis 2. Last evaluated: 2025-05-02. Review status: criteria provided, single submitter. Criteria: Myriad Autosomal Dominant, Autosomal Recessive and X-Linked Classification Criteria (2023). Collection method: clinical testing. Allele origin: unknown.
Comment: This variant is considered benign. This variant is a silent/synonymous amino acid change and it is not expected to impact splicing.